The following is an entry in ClinVar:

ClinVar aggregate classification (germline): Uncertain significance. Review status: criteria provided, multiple submitters, no conflicts (2 of 4 stars). 2 submissions from 2 submitters: Uncertain significance (2). Last evaluated 2023-06-02.

Conditions:
Breast-ovarian cancer, familial, susceptibility to, 4. Identifiers: Orphanet 145, MedGen C3280345, MONDO:0013669, OMIM 614291.

Submissions (2):

Baylor Genetics
Classification: Uncertain significance for Breast-ovarian cancer, familial, susceptibility to, 4. Last evaluated: 2023-06-02. Review status: criteria provided, single submitter. Criteria: ACMG Guidelines, 2015. Collection method: clinical testing. Allele origin: unknown.

Labcorp Genetics (formerly Invitae), Labcorp
Classification: Uncertain significance for Breast-ovarian cancer, familial, susceptibility to, 4. Last evaluated: 2020-12-24. Review status: criteria provided, single submitter. Criteria: Invitae Variant Classification Sherloc (09022015). Collection method: clinical testing. Allele origin: germline.
Comment: This variant has not been reported in the literature in individuals with RAD51D-related conditions. Algorithms developed to predict the effect of missense changes on protein structure and function (SIFT, PolyPhen-2, Align-GVGD) all suggest that this variant is likely to be tolerated, but these predictions have not been confirmed by published functional studies and their clinical significance is uncertain. In summary, the available evidence is currently insufficient to determine the role of this variant in disease. Therefore, it has been classified as a Variant of Uncertain Significance. This variant is not present in population databases (ExAC no frequency). This sequence change replaces leucine with phenylalanine at codon 185 of the RAD51D protein (p.Leu185Phe). The leucine residue is moderately conserved and there is a small physicochemical difference between leucine and phenylalanine.

NM_002878.4(RAD51D):c.553C>T (p.Leu185Phe)

Genes: RAD51L3-RFFL (RAD51L3-RFFL readthrough; minus strand), RAD51D (RAD51 paralog D; minus strand). Cytogenetic location: 17q12.
Variant type: single nucleotide variant.
Coding change: c.553C>T on transcript NM_002878.4 (MANE Select); coding-DNA position 553, C replaced by T.
Protein change: p.Leu185Phe; replaces leucine 185 with phenylalanine.
Molecular consequence: missense variant. On other transcripts: non-coding transcript variant (3).
Genome position (GRCh38, 1-based): chr17:35,106,409, G>A on the plus strand (C>T on the coding strand, the complement: RAD51D is on the minus strand). VCF-style: chr17-35106409-G-A. GRCh37 (hg19) VCF-style: chr17-33433428-G-A.
Other names: c.613C>T, p.Leu205Phe (NM_001142571.2); c.217C>T, p.Leu73Phe (NM_133629.3); short protein forms L205F, L73F, L185F.
Identifiers: ClinVar variation 1443477 (VCV001443477.9), dbSNP rs2142429012, ClinGen allele CA399088630.